The following is an entry in ClinVar:

ClinVar aggregate classification (germline): Uncertain significance (1 of 4 stars; one submission).

Submission:

Ambry Genetics
Classification: Uncertain significance. Last evaluated: 2022-05-01. Review status: criteria provided, single submitter. Criteria: Ambry Variant Classification Scheme 2023. Collection method: clinical testing. Allele origin: germline.
Comment: The p.I2165M variant (also known as c.6495T>G), located in coding exon 21 of the POLQ gene, results from a T to G substitution at nucleotide position 6495. The isoleucine at codon 2165 is replaced by methionine, an amino acid with highly similar properties. This amino acid position is conserved. In addition, this alteration is predicted to be tolerated by in silico analysis. Since supporting evidence is limited at this time, the clinical significance of this alteration remains unclear.

NM_199420.4(POLQ):c.6495T>G (p.Ile2165Met)

Gene: POLQ (DNA polymerase theta; minus strand). Cytogenetic location: 3q13.33.
Variant type: single nucleotide variant.
Coding change: c.6495T>G on transcript NM_199420.4 (MANE Select); coding-DNA position 6495, T replaced by G.
Protein change: p.Ile2165Met; replaces isoleucine 2165 with methionine.
Molecular consequence: missense variant.
Genome position (GRCh38, 1-based): chr3:121,473,398, A>C on the plus strand (T>G on the coding strand, the complement: POLQ is on the minus strand). VCF-style: chr3-121473398-A-C. GRCh37 (hg19) VCF-style: chr3-121192245-A-C.
Other names: short protein forms I2165M.
Identifiers: ClinVar variation 1753846 (VCV001753846.2), dbSNP rs2546774534, ClinGen allele CA354085916.